The following is an entry in ClinVar:

ClinVar aggregate classification (germline): Conflicting classifications of pathogenicity. Review status: criteria provided, conflicting classifications (1 of 4 stars). 9 submissions from 9 submitters: Uncertain significance (8); Likely benign (1). Last evaluated 2025-10-05.

Conditions:
Hereditary nonpolyposis colorectal neoplasms. Identifiers: MedGen C0009405, MeSH D003123.
PMS2-related disorder. Also called: PMS2-related condition.
Hereditary cancer-predisposing syndrome. Also called: Neoplastic Syndromes, Hereditary; Tumor predisposition; Hereditary Cancer Syndrome; Hereditary neoplastic syndrome. Identifiers: Orphanet 140162, MedGen C0027672, MeSH D009386, MONDO:0015356.
Lynch syndrome. Identifiers: Orphanet 144, MedGen C4552100, MONDO:0005835. Disease mechanism: loss of function.

gnomAD v4.1: 16 of 1,614,136 alleles (0.00099%); highest among the groups gnomAD compares: African/African-American, 0.004%; no homozygotes.

Submissions (9):

Labcorp Genetics (formerly Invitae), Labcorp
Classification: Uncertain significance for Hereditary nonpolyposis colorectal neoplasms. Last evaluated: 2025-10-05. Review status: criteria provided, single submitter. Criteria: Invitae Variant Classification Sherloc (09022015). Collection method: clinical testing. Allele origin: germline.
Comment: This sequence change replaces valine, which is neutral and non-polar, with leucine, which is neutral and non-polar, at codon 415 of the PMS2 protein (p.Val415Leu). This variant is present in population databases (rs138387687, gnomAD 0.007%). This variant has not been reported in the literature in individuals affected with PMS2-related conditions. ClinVar contains an entry for this variant (Variation ID: 411079). Invitae Evidence Modeling incorporating data from in vitro experimental studies (internal data) indicates that this missense variant is not expected to disrupt PMS2 function with a negative predictive value of 95%. In summary, the available evidence is currently insufficient to determine the role of this variant in disease. Therefore, it has been classified as a Variant of Uncertain Significance.

PreventionGenetics, part of Exact Sciences
Classification: Uncertain significance for PMS2-related condition. Last evaluated: 2025-05-30. Review status: criteria provided, single submitter. Criteria: ACMG Guidelines, 2015. Collection method: clinical testing. Allele origin: germline.
Comment: The PMS2 c.1243G>T variant is predicted to result in the amino acid substitution p.Val415Leu. This variant has been reported as uncertain in an individual with breast cancer who had a family history of colorectal and gastric cancer (Patient 2621 in Table S4, Bhai et al. 2021. PubMed ID: 34326862). This variant was also identified in another individual with breast cancer and 1 control individual from a large breast cancer study (Supplemental Data, Dorling et al. 2021. PubMed ID: 33471991). This variant is reported in 0.0062% of alleles in individuals of African descent in gnomAD and is interpreted as uncertain in ClinVar. At this time, the clinical significance of this variant is uncertain due to the absence of conclusive functional and genetic evidence.

Ambry Genetics
Classification: Likely benign for Hereditary cancer-predisposing syndrome. Last evaluated: 2025-05-20. Review status: criteria provided, single submitter. Criteria: Ambry Variant Classification Scheme 2023. Collection method: clinical testing. Allele origin: germline.

Center for Genomic Medicine, Rigshospitalet, Copenhagen University Hospital
Classification: Uncertain significance. Last evaluated: 2025-03-04. Review status: criteria provided, single submitter. Criteria: ACMG Guidelines, 2015. Collection method: clinical testing. Allele origin: germline.

All of Us Research Program, National Institutes of Health
Classification: Uncertain significance for Lynch syndrome. Last evaluated: 2023-12-13. Review status: criteria provided, single submitter. Criteria: ACMG Guidelines, 2015. Collection method: clinical testing. Allele origin: germline. Inheritance: Autosomal dominant inheritance. Observed: 1 variant allele, 1 heterozygote.
Comment: This missense variant replaces valine with leucine at codon 415 of the PMS2 protein. Computational prediction suggests that this variant may not impact protein structure and function (internally defined REVEL score threshold <= 0.5, PMID: 27666373). To our knowledge, functional studies have not been reported for this variant. In a large breast cancer case-control study, this variant has been reported in 1/60466 cases and 1/53461 unaffected controls (PMID: 33471991). This variant has been identified in 2/251130 chromosomes in the general population by the Genome Aggregation Database (gnomAD). The available evidence is insufficient to determine the role of this variant in disease conclusively. Therefore, this variant is classified as a Variant of Uncertain Significance.

This study involves interpretation of variants in research participants for the purpose of population health screening. Participant phenotype was not available at the time of variant classification. Additional details can be found in publication PMID: 35346344, PMCID: PMC8962531

Color Diagnostics, LLC DBA Color Health
Classification: Uncertain significance for Hereditary cancer-predisposing syndrome. Last evaluated: 2023-11-09. Review status: criteria provided, single submitter. Criteria: ACMG Guidelines, 2015. Collection method: clinical testing. Allele origin: germline.
Comment: This missense variant replaces valine with leucine at codon 415 of the PMS2 protein. Computational prediction suggests that this variant may not impact protein structure and function (internally defined REVEL score threshold <= 0.5, PMID: 27666373). To our knowledge, functional studies have not been reported for this variant. In a large breast cancer case-control study, this variant has been reported in 1/60466 cases and 1/53461 unaffected controls (PMID: 33471991). This variant has been identified in 2/251130 chromosomes in the general population by the Genome Aggregation Database (gnomAD). The available evidence is insufficient to determine the role of this variant in disease conclusively. Therefore, this variant is classified as a Variant of Uncertain Significance.

GeneDx
Classification: Uncertain significance. Last evaluated: 2023-06-20. Review status: criteria provided, single submitter. Criteria: GeneDx Variant Classification Process June 2021. Collection method: clinical testing. Allele origin: germline. Affected: yes.
Comment: Reported in one individual with breast cancer, specific phenotype information not provided (Dorling et al., 2021); In silico analysis supports that this missense variant does not alter protein structure/function; This variant is associated with the following publications: (PMID: 33471991)

Sema4
Classification: Uncertain significance for Hereditary cancer-predisposing syndrome. Last evaluated: 2022-01-10. Review status: criteria provided, single submitter. Criteria: Sema4 Curation Guidelines. Collection method: curation. Allele origin: germline.
Comment: The PMS2 c.1243G>T (p.V415L) variant has been reported in a large breast cancer case-control study in 1/60466 cases and 1/53461 controls (PMID: 33471991). It was observed in 2/251130 chromosomes across all subpopulations in the large and broad cohorts of the Genome Aggregation Database (PMID: 32461654). The variant has been reported in ClinVar (Variation ID 411079). In silico tools suggest the impact of the variant on protein function is benign, though these predictions have not been confirmed by functional studies. The evidence is insufficient to meet ACMG/AMP criteria for classifying the variant as benign or pathogenic. Thus, the clinical significance of this variant is currently uncertain.

Women's Health and Genetics/Laboratory Corporation of America, LabCorp
Classification: Uncertain significance. Last evaluated: 2017-01-30. Review status: criteria provided, single submitter. Criteria: LabCorp Variant Classification Summary - May 2015. Collection method: clinical testing. Allele origin: germline.
Comment: Variant summary: The PMS2 c.1243G>T (p.Val415Leu) variant involves the alteration of a non-conserved nucleotide. 3/3 in silico tools predict a benign outcome for this variant (SNPs&GO not captured due to low reliability index). This variant was found in 2/120354 control chromosomes at a frequency of 0.0000166, which does not exceed the estimated maximal expected allele frequency of a pathogenic PMS2 variant (0.0001136). The variant of interest has not, to our knowledge, been reported in affected individuals via publications and/or reputable databases/clinical diagnostic laboratories; nor evaluated for functional impact by in vivo/vitro studies. Because of the absence of clinical information and the lack of functional studies, the variant is classified as a variant of uncertain significance (VUS) until additional information becomes available.

Literature cited by the submitters: PubMed 33471991 (cited by 3 submitters).

NM_000535.7(PMS2):c.1243G>T (p.Val415Leu)

Gene: PMS2 (PMS1 homolog 2, mismatch repair system component; minus strand). Cytogenetic location: 7p22.1.
Variant type: single nucleotide variant.
Coding change: c.1243G>T on transcript NM_000535.7 (MANE Select); coding-DNA position 1243, G replaced by T.
Protein change: p.Val415Leu; replaces valine 415 with leucine.
Molecular consequence: missense variant. On other transcripts: non-coding transcript variant (1).
Genome position (GRCh38, 1-based): chr7:5,987,522, C>A on the plus strand (G>T on the coding strand, the complement: PMS2 is on the minus strand). VCF-style: chr7-5987522-C-A. GRCh37 (hg19) VCF-style: chr7-6027153-C-A.
Other names: c.838G>T, p.Val280Leu (NM_001322003.2, NM_001322004.2, NM_001322005.2 and 1 more transcripts); c.1087G>T, p.Val363Leu (NM_001322006.2); c.925G>T, p.Val309Leu (NM_001322007.2, NM_001322008.2); c.682G>T, p.Val228Leu (NM_001322010.2); c.310G>T, p.Val104Leu (NM_001322011.2, NM_001322012.2); c.670G>T, p.Val224Leu (NM_001322013.2); c.1243G>T, p.Val415Leu (NM_001322014.2); c.934G>T, p.Val312Leu (NM_001322015.2); short protein forms V415L, V309L, V363L, V228L, V104L, V224L, V280L, V312L.
Identifiers: ClinVar variation 411079 (VCV000411079.32), dbSNP rs138387687, ClinGen allele CA042760.
Genomic context (GRCh38, chr7:5,987,522, plus strand): 5'-GAGGCTTGTTCTCTGTTGTGTGACGAAGAGAAAAGGCCTCTCGCAGTCTGGAAATGGACA[C>A]GTCTTTTTTTTCTTCTCCAGTCCTTAATGAAGGGGATTGATCCTGCTTTTCTACCATGGG-3'
Protein context (NP_000526.2, residues 405-425): SLRTGEEKKD[Val415Leu]SISRLREAFS